The following is an entry in ClinVar:

ClinVar aggregate classification (germline): Uncertain significance. Review status: criteria provided, multiple submitters, no conflicts (2 of 4 stars). 2 submissions from 2 submitters: Uncertain significance (2). Last evaluated 2025-04-24.

Conditions:
TPO-related disorder. Also called: TPO-related condition.
Inborn genetic diseases. Identifiers: MedGen C0950123, MeSH D030342.

gnomAD v4.1: 13 of 1,613,812 alleles (0.00081%); highest among the groups gnomAD compares: South Asian, 0.0022%; no homozygotes.

Submissions (2):

PreventionGenetics, part of Exact Sciences
Classification: Uncertain significance for TPO-related condition. Last evaluated: 2025-04-24. Review status: criteria provided, single submitter. Criteria: ACMG Guidelines, 2015. Collection method: clinical testing. Allele origin: germline.
Comment: The TPO c.2284C>T variant is predicted to result in the amino acid substitution p.Arg762Cys. This variant was reported in trans with a second TPO variant in an individual with permanent congenital hypothyroidism, however both variants were classified as uncertain (Table S1, Zhang et al. 2023. PubMed ID: 37390946). This variant is reported in 0.0033% of alleles in individuals of South Asian descent in gnomAD. Although we suspect that this variant may be pathogenic, at this time, the clinical significance of this variant is uncertain due to the absence of conclusive functional and genetic evidence.

Ambry Genetics
Classification: Uncertain significance for Inborn genetic diseases. Last evaluated: 2024-08-29. Review status: criteria provided, single submitter. Criteria: Ambry Variant Classification Scheme 2023. Collection method: clinical testing. Allele origin: germline.

NM_001206744.2(TPO):c.2284C>T (p.Arg762Cys)

Genes: LALTOP (lung cancer associated lncRNA targeting TOP2A; minus strand), TPO (thyroid peroxidase; plus strand). Cytogenetic location: 2p25.3.
Variant type: single nucleotide variant.
Coding change: c.2284C>T on transcript NM_001206744.2 (MANE Select); coding-DNA position 2284, C replaced by T.
Protein change: p.Arg762Cys; replaces arginine 762 with cysteine.
Molecular consequence: missense variant.
Genome position (GRCh38, 1-based): chr2:1,496,663, C>T. VCF-style: chr2-1496663-C-T. GRCh37 (hg19) VCF-style: chr2-1500435-C-T.
Other names: c.2284C>T, p.Arg762Cys (NM_000547.6, NM_175721.3); c.2113C>T, p.Arg705Cys (NM_001206745.2, NM_175719.4); c.1765C>T, p.Arg589Cys (NM_175722.3); short protein forms R589C, R705C, R762C.
Identifiers: ClinVar variation 3460507 (VCV003460507.2).
Genomic context (GRCh38, chr2:1,496,663, plus strand): 5'-TGTGGCTTCCCAGAGAGCGTGGAGAATGGGGACTTTGTGCACTGTGAGGAGTCTGGGAGG[C>T]GCGTGCTGGTGTATTCCTGCCGGCACGGGTATGAGCTCCAAGGCCGGGAGCAGCTCACTT-3'
Protein context (NP_001193673.1, residues 752-772): DFVHCEESGR[Arg762Cys]VLVYSCRHGY